The following is an entry in ClinVar:

ClinVar aggregate classification (germline): Uncertain significance (1 of 4 stars; one submission).

gnomAD v4.1: 53 of 1,614,178 alleles (0.0033%); highest among the groups gnomAD compares: African/African-American, 0.04%; no homozygotes.

Submission:

GeneDx
Classification: Uncertain significance. Last evaluated: 2026-09-17. Review status: criteria provided, single submitter. Criteria: GeneDx Variant Classification Process June 2021. Collection method: clinical testing. Allele origin: germline.
Comment: In silico analysis supports that this missense variant has a deleterious effect on protein structure/function; Has not been previously published as pathogenic or benign to our knowledge

NM_000428.3(LTBP2):c.1904C>T (p.Ala635Val)

Gene: LTBP2 (latent transforming growth factor beta binding protein 2; minus strand). Cytogenetic location: 14q24.3.
Variant type: single nucleotide variant.
Coding change: c.1904C>T on transcript NM_000428.3 (MANE Select); coding-DNA position 1904, C replaced by T.
Protein change: p.Ala635Val; replaces alanine 635 with valine.
Molecular consequence: missense variant.
Genome position (GRCh38, 1-based): chr14:74,532,509, G>A on the plus strand (C>T on the coding strand, the complement: LTBP2 is on the minus strand). VCF-style: chr14-74532509-G-A. GRCh37 (hg19) VCF-style: chr14-74999212-G-A.
Other names: short protein forms A635V.
Identifiers: ClinVar variation 3366168 (VCV003366168.2).
Genomic context (GRCh38, chr14:74,532,509, plus strand): 5'-TCCAGCATGAGGCCAGGTCTGCATGTGCACAGGTAGCTGCCCCTGGTATTCACACACTCC[G>A]CGTCCTTGCACAGGCCCAGGGTCAAGCACTCGTTGATATCTGCAGGGTTGGAGGAGATGA-3'
Protein context (NP_000419.1, residues 625-645): ECLTLGLCKD[Ala635Val]ECVNTRGSYL